The following is an entry in ClinVar:

ClinVar aggregate classification (germline): Uncertain significance. Review status: criteria provided, multiple submitters, no conflicts (2 of 4 stars). 2 submissions from 2 submitters: Uncertain significance (2). Last evaluated 2021-12-22.

Conditions:
Primary ciliary dyskinesia 19. Also called: CILIARY DYSKINESIA, PRIMARY, 19, WITH OR WITHOUT SITUS INVERSUS. Identifiers: Orphanet 244, MedGen C3543826, MONDO:0013979, OMIM 614935.

Allele frequency attached by ClinVar (database versions not stated): ESP Exome Variant Server 0.00008; 1000 Genomes Project 30x 0.00031; TOPMed 0.00002; 1000 Genomes Project 0.00020; gnomAD exomes 0.00003.
gnomAD v4.1: 50 of 1,613,900 alleles (0.0031%); highest among the groups gnomAD compares: East Asian, 0.018%; no homozygotes.

Submissions (2):

Labcorp Genetics (formerly Invitae), Labcorp
Classification: Uncertain significance for Primary ciliary dyskinesia 19. Last evaluated: 2021-12-22. Review status: criteria provided, single submitter. Criteria: Invitae Variant Classification Sherloc (09022015). Collection method: clinical testing. Allele origin: germline.
Comment: In summary, the available evidence is currently insufficient to determine the role of this variant in disease. Therefore, it has been classified as a Variant of Uncertain Significance. Experimental studies and prediction algorithms are not available or were not evaluated, and the functional significance of this variant is currently unknown. ClinVar contains an entry for this variant (Variation ID: 656966). This variant has not been reported in the literature in individuals affected with LRRC6-related conditions. This variant is present in population databases (rs369985188, gnomAD 0.006%). This sequence change creates a premature translational stop signal (p.Arg442*) in the LRRC6 gene. While this is not anticipated to result in nonsense mediated decay, it is expected to disrupt the last 25 amino acid(s) of the LRRC6 protein.

Breakthrough Genomics
Classification: Uncertain significance. Review status: criteria provided, single submitter. Criteria: ACMG Guidelines, 2015. Collection method: not provided. Allele origin: germline. Inheritance: Autosomal recessive inheritance. Affected: yes.

NM_012472.6(DNAAF11):c.1324C>T (p.Arg442Ter)

Gene: DNAAF11 (dynein axonemal assembly factor 11; minus strand). Cytogenetic location: 8q24.22.
Variant type: single nucleotide variant.
Coding change: c.1324C>T on transcript NM_012472.6 (MANE Select); coding-DNA position 1324, C replaced by T.
Protein change: p.Arg442Ter; replaces arginine 442 with a stop codon.
Molecular consequence: nonsense. On other transcripts: non-coding transcript variant (10).
Genome position (GRCh38, 1-based): chr8:132,572,383, G>A on the plus strand (C>T on the coding strand, the complement: DNAAF11 is on the minus strand). VCF-style: chr8-132572383-G-A. GRCh37 (hg19) VCF-style: chr8-133584631-G-A.
Other names: c.1264C>T, p.Arg422Ter (NM_001321961.2); c.1078C>T, p.Arg360Ter (NM_001321962.2); c.964C>T, p.Arg322Ter (NM_001321963.2, NM_001321964.2, NM_001321965.2); c.904C>T, p.Arg302Ter (NM_001321966.2); short protein forms R422*, R442*, R360*, R302*, R322*.
Identifiers: ClinVar variation 656966 (VCV000656966.8), dbSNP rs369985188, ClinGen allele CA4881081.